The following is an entry in ClinVar:

NM_004706.4(ARHGEF1):c.961A>C (p.Thr321Pro)

Gene: ARHGEF1 (Rho guanine nucleotide exchange factor 1; plus strand). Cytogenetic location: 19q13.2.
Variant type: single nucleotide variant.
Coding change: c.961A>C on transcript NM_004706.4 (MANE Select); coding-DNA position 961, A replaced by C.
Protein change: p.Thr321Pro; replaces threonine 321 with proline.
Molecular consequence: missense variant. On other transcripts: non-coding transcript variant (2).
Genome position (GRCh38, 1-based): chr19:41,895,432, A>C. VCF-style: chr19-41895432-A-C. GRCh37 (hg19) VCF-style: chr19-42399505-A-C.
Other names: c.961A>C, p.Thr321Pro (NM_001396000.1, NM_001396003.1, NM_001396006.1); c.862A>C, p.Thr288Pro (NM_001396002.1, NM_001396004.1, NM_198977.2); c.1006A>C, p.Thr336Pro (NM_199002.2); short protein forms T336P, T288P, T321P.
Identifiers: ClinVar variation 2708661 (VCV002708661.3), dbSNP rs1599644534, ClinGen allele CA406054788.

ClinVar aggregate classification (germline): Uncertain significance (1 of 4 stars; one submission).

Submission:

Labcorp Genetics (formerly Invitae), Labcorp
Classification: Uncertain significance. Last evaluated: 2023-06-22. Review status: criteria provided, single submitter. Criteria: Invitae Variant Classification Sherloc (09022015). Collection method: clinical testing. Allele origin: germline.
Comment: In summary, the available evidence is currently insufficient to determine the role of this variant in disease. Therefore, it has been classified as a Variant of Uncertain Significance. Algorithms developed to predict the effect of missense changes on protein structure and function output the following: SIFT: "Not Available"; PolyPhen-2: "Benign"; Align-GVGD: "Not Available". The proline amino acid residue is found in multiple mammalian species, which suggests that this missense change does not adversely affect protein function. This variant has not been reported in the literature in individuals affected with ARHGEF1-related conditions. This variant is not present in population databases (gnomAD no frequency). This sequence change replaces threonine, which is neutral and polar, with proline, which is neutral and non-polar, at codon 336 of the ARHGEF1 protein (p.Thr336Pro).